The following is an entry in ClinVar:

ClinVar aggregate classification (germline): Likely benign. Review status: criteria provided, multiple submitters, no conflicts (2 of 4 stars). 2 submissions from 2 submitters: Likely benign (2). Last evaluated 2018-06-19.

Allele frequency attached by ClinVar (database versions not stated): 1000 Genomes Project 30x 0.00937; 1000 Genomes Project 0.00978; gnomAD 0.01677 and 0.01718; TOPMed 0.01958.
gnomAD v4.1: 23,644 of 1,312,192 alleles (1.8%); highest among the groups gnomAD compares: Middle Eastern, 5.4%; 313 homozygotes.

Submissions (2):

GeneDx
Classification: Likely benign. Last evaluated: 2018-06-19. Review status: criteria provided, single submitter. Criteria: GeneDx Variant Classification (06012015). Collection method: clinical testing. Allele origin: germline. Affected: yes.
Comment: This variant is considered likely benign or benign based on one or more of the following criteria: it is a conservative change, it occurs at a poorly conserved position in the protein, it is predicted to be benign by multiple in silico algorithms, and/or has population frequency not consistent with disease.

Breakthrough Genomics
Classification: Likely benign. Review status: criteria provided, single submitter. Criteria: ACMG Guidelines, 2015. Collection method: not provided. Allele origin: germline. Inheritance: Autosomal dominant inheritance. Affected: yes.

NM_017617.5(NOTCH1):c.2740+128G>A

Gene: NOTCH1 (notch receptor 1; minus strand). Cytogenetic location: 9q34.3.
Variant type: single nucleotide variant.
Coding change: c.2740+128G>A on transcript NM_017617.5 (MANE Select); 128 bases into the intron after coding-DNA position 2740, G replaced by A.
Molecular consequence: intron variant.
Genome position (GRCh38, 1-based): chr9:136,510,525, C>T on the plus strand (G>A on the coding strand, the complement: NOTCH1 is on the minus strand). VCF-style: chr9-136510525-C-T. GRCh37 (hg19) VCF-style: chr9-139404977-C-T.
Identifiers: ClinVar variation 679863 (VCV000679863.2), dbSNP rs143369696, ClinGen allele CA201583347.